The following is an entry in ClinVar:

NM_000235.4(LIPA):c.245del (p.Val82fs)

Gene: LIPA (lipase A, lysosomal acid type; minus strand). Cytogenetic location: 10q23.31.
Variant type: Deletion.
Coding change: c.245del on transcript NM_000235.4 (MANE Select); coding-DNA position 245, one base deleted (T; older notation c.245delT).
Protein change: p.Val82fs; shifts the reading frame from valine 82.
Molecular consequence: frameshift variant. On other transcripts: 5 prime UTR variant (1).
Genome position (GRCh38, 1-based): chr10:89,228,383, A deleted on the plus strand (T on the coding strand, the reverse complement: LIPA is on the minus strand). VCF-style (leftmost placement, unchanged base first): chr10-89228382-GA-G. GRCh37 (hg19) VCF-style: chr10-90988139-GA-G.
Other names: c.245del, p.Val82fs (NM_001127605.3); c.-104del (NM_001288979.2); short protein forms V82fs.
Identifiers: ClinVar variation 2865584 (VCV002865584.3), dbSNP rs2495596213, ClinGen allele CA2739275883.

ClinVar aggregate classification (germline): Pathogenic (1 of 4 stars; one submission).

Conditions:
Wolman disease (WOLD). Also called: Acid cholesteryl ester hydrolase deficiency, Wolman type; Acid lipase disease; Wolman disease, CESD; Wolman disease with hypolipoproteinemia and acanthocytosis; LYSOSOMAL ACID LIPASE DEFICIENCY, ACUTE INFANTILE; LYSOSOMAL ACID LIPASE DEFICIENCY, COMPLETE. Identifiers: Orphanet 75233, MedGen C0043208, MONDO:0019148, OMIM 620151.

Submission:

Labcorp Genetics (formerly Invitae), Labcorp
Classification: Pathogenic for Wolman disease. Last evaluated: 2023-05-19. Review status: criteria provided, single submitter. Criteria: Invitae Variant Classification Sherloc (09022015). Collection method: clinical testing. Allele origin: germline.
Comment: For these reasons, this variant has been classified as Pathogenic. This variant has not been reported in the literature in individuals affected with LIPA-related conditions. This variant is not present in population databases (gnomAD no frequency). This sequence change creates a premature translational stop signal (p.Val82Alafs*79) in the LIPA gene. It is expected to result in an absent or disrupted protein product. Loss-of-function variants in LIPA are known to be pathogenic (PMID: 23485521).

Literature cited by the submitters: PubMed 23485521.